The following is an entry in ClinVar:

NM_006767.4(LZTR1):c.1916C>T (p.Thr639Ile)

Gene: LZTR1 (leucine zipper like post translational regulator 1; plus strand). Cytogenetic location: 22q11.21.
Variant type: single nucleotide variant.
Coding change: c.1916C>T on transcript NM_006767.4 (MANE Select); coding-DNA position 1916, C replaced by T.
Protein change: p.Thr639Ile; replaces threonine 639 with isoleucine.
Molecular consequence: missense variant.
Genome position (GRCh38, 1-based): chr22:20,995,000, C>T. VCF-style: chr22-20995000-C-T. GRCh37 (hg19) VCF-style: chr22-21349289-C-T.
Other names: c.1916C>T (NM_006767.3); short protein forms T639I.
Identifiers: ClinVar variation 1426779 (VCV001426779.7), dbSNP rs2147968487, ClinGen allele CA410778722.

ClinVar aggregate classification (germline): Conflicting classifications of pathogenicity. Review status: criteria provided, conflicting classifications (1 of 4 stars). 2 submissions from 2 submitters: Uncertain significance (1); Likely benign (1). Last evaluated 2025-08-13.

Conditions:
Cardiovascular phenotype. Identifiers: MedGen CN230736.
Hereditary cancer-predisposing syndrome. Also called: Tumor predisposition; Hereditary neoplastic syndrome; Neoplastic Syndromes, Hereditary; Hereditary Cancer Syndrome. Identifiers: Orphanet 140162, MedGen C0027672, MeSH D009386, MONDO:0015356.

Submissions (2):

Labcorp Genetics (formerly Invitae), Labcorp
Classification: Uncertain significance. Last evaluated: 2025-08-13. Review status: criteria provided, single submitter. Criteria: Invitae Variant Classification Sherloc (09022015). Collection method: clinical testing. Allele origin: germline.
Comment: This sequence change replaces threonine, which is neutral and polar, with isoleucine, which is neutral and non-polar, at codon 639 of the LZTR1 protein (p.Thr639Ile). This variant is not present in population databases (gnomAD no frequency). This variant has not been reported in the literature in individuals affected with LZTR1-related conditions. ClinVar contains an entry for this variant (Variation ID: 1426779). Invitae Evidence Modeling of protein sequence and biophysical properties (such as structural, functional, and spatial information, amino acid conservation, physicochemical variation, residue mobility, and thermodynamic stability) indicates that this missense variant is not expected to disrupt LZTR1 protein function with a negative predictive value of 80%. In summary, the available evidence is currently insufficient to determine the role of this variant in disease. Therefore, it has been classified as a Variant of Uncertain Significance.

Ambry Genetics
Classification: Likely benign for Cardiovascular phenotype; Hereditary cancer-predisposing syndrome. Last evaluated: 2023-11-29. Review status: criteria provided, single submitter. Criteria: Ambry Variant Classification Scheme 2023. Collection method: clinical testing. Allele origin: germline.